The following is an entry in ClinVar:

NM_016507.4(CDK12):c.80G>C (p.Gly27Ala)

Genes: CDK12 (cyclin dependent kinase 12; plus strand), LOC126862553 (CDK7 strongly-dependent group 2 enhancer GRCh37_chr17:37618166-37619365; plus strand). Cytogenetic location: 17q12.
Variant type: single nucleotide variant.
Coding change: c.80G>C on transcript NM_016507.4 (MANE Select); coding-DNA position 80, G replaced by C.
Protein change: p.Gly27Ala; replaces glycine 27 with alanine.
Molecular consequence: missense variant.
Genome position (GRCh38, 1-based): chr17:39,462,151, G>C. VCF-style: chr17-39462151-G-C. GRCh37 (hg19) VCF-style: chr17-37618404-G-C.
Other names: c.80G>C, p.Gly27Ala (NM_015083.4); short protein forms G27A.
Identifiers: ClinVar variation 4651490 (VCV004651490.1).

ClinVar aggregate classification (germline): Uncertain significance (1 of 4 stars; one submission).

Submission:

Ambry Genetics
Classification: Uncertain significance. Last evaluated: 2025-12-10. Review status: criteria provided, single submitter. Criteria: Ambry Variant Classification Scheme 2023. Collection method: clinical testing. Allele origin: germline.
Comment: The p.G27A variant (also known as c.80G>C), located in coding exon 1 of the CDK12 gene, results from a G to C substitution at nucleotide position 80. The glycine at codon 27 is replaced by alanine, an amino acid with similar properties. This amino acid position is conserved. In addition, this alteration is predicted to be tolerated by in silico analysis. Based on the available evidence, the clinical significance of this variant remains unclear.